The following is an entry in ClinVar:

NM_000196.4(HSD11B2):c.460G>A (p.Ala154Thr)

Gene: HSD11B2 (hydroxysteroid 11-beta dehydrogenase 2; plus strand). Cytogenetic location: 16q22.1.
Variant type: single nucleotide variant.
Coding change: c.460G>A on transcript NM_000196.4 (MANE Select); coding-DNA position 460, G replaced by A.
Protein change: p.Ala154Thr; replaces alanine 154 with threonine.
Molecular consequence: missense variant.
Genome position (GRCh38, 1-based): chr16:67,435,822, G>A. VCF-style: chr16-67435822-G-A. GRCh37 (hg19) VCF-style: chr16-67469725-G-A.
Other names: short protein forms A154T.
Identifiers: ClinVar variation 2041404 (VCV002041404.4), dbSNP rs536708177, ClinGen allele CA282322127.

ClinVar aggregate classification (germline): Uncertain significance (1 of 4 stars; one submission).

Allele frequency attached by ClinVar (database versions not stated): gnomAD 0.00001; 1000 Genomes Project 30x 0.00016; 1000 Genomes Project 0.00020.
gnomAD v4.1: 1 of 1,614,040 alleles (0.000062%); highest among the groups gnomAD compares: East Asian, 0.0022%; no homozygotes.

Submission:

Labcorp Genetics (formerly Invitae), Labcorp
Classification: Uncertain significance. Last evaluated: 2022-07-12. Review status: criteria provided, single submitter. Criteria: Invitae Variant Classification Sherloc (09022015). Collection method: clinical testing. Allele origin: germline.
Comment: In summary, the available evidence is currently insufficient to determine the role of this variant in disease. Therefore, it has been classified as a Variant of Uncertain Significance. Algorithms developed to predict the effect of missense changes on protein structure and function output the following: SIFT: "Tolerated"; PolyPhen-2: "Benign"; Align-GVGD: "Class C0". The threonine amino acid residue is found in multiple mammalian species, which suggests that this missense change does not adversely affect protein function. This variant has not been reported in the literature in individuals affected with HSD11B2-related conditions. This variant is not present in population databases (gnomAD no frequency). This sequence change replaces alanine, which is neutral and non-polar, with threonine, which is neutral and polar, at codon 154 of the HSD11B2 protein (p.Ala154Thr).